The following is an entry in ClinVar:

NM_004415.4(DSP):c.8159A>G (p.Tyr2720Cys)

Gene: DSP (desmoplakin; plus strand). Cytogenetic location: 6p24.3.
Variant type: single nucleotide variant.
Coding change: c.8159A>G on transcript NM_004415.4 (MANE Select); coding-DNA position 8159, A replaced by G.
Protein change: p.Tyr2720Cys; replaces tyrosine 2720 with cysteine.
Molecular consequence: missense variant.
Genome position (GRCh38, 1-based): chr6:7,585,421, A>G. VCF-style: chr6-7585421-A-G. GRCh37 (hg19) VCF-style: chr6-7585654-A-G.
Other names: c.6362A>G, p.Tyr2121Cys (NM_001008844.3); c.6830A>G, p.Tyr2277Cys (NM_001319034.2); short protein forms Y2121C, Y2277C, Y2720C.
Identifiers: ClinVar variation 1464046 (VCV001464046.8), dbSNP rs367972703, ClinGen allele CA362694569.
Genomic context (GRCh38, chr6:7,585,421, plus strand): 5'-GTGTGAAGGGAAAGAAGAAGATGTCAGCAGCAGAGGCAGTGAAAGAAAAATGGCTCCCGT[A>G]TGAGGCTGGCCAGCGCTTCCTGGAGTTCCAGTACCTCACGGGAGGTCTTGTTGACCCGGA-3'
Protein context (NP_004406.2, residues 2710-2730): AEAVKEKWLP[Tyr2720Cys]EAGQRFLEFQ

ClinVar aggregate classification (germline): Uncertain significance (1 of 4 stars; one submission).

Conditions:
Arrhythmogenic cardiomyopathy with wooly hair and keratoderma. Also called: PALMOPLANTAR KERATODERMA WITH LEFT VENTRICULAR CARDIOMYOPATHY AND WOOLLY HAIR; Arrhythmogenic cardiomyopathy with woolly hair and keratoderma; Carvajal syndrome; Dilated cardiomyopathy with woolly hair and keratoderma. Identifiers: Orphanet 65282, MedGen C1854063, MONDO:0011581, OMIM 605676.
Arrhythmogenic right ventricular dysplasia 8 (ARVD8). Also called: Arrhythmogenic Right Ventricular Dysplasia/Cardiomyopathy 8; ARRHYTHMOGENIC RIGHT VENTRICULAR DYSPLASIA, FAMILIAL, 8; ARRHYTHMOGENIC RIGHT VENTRICULAR CARDIOMYOPATHY 8. Identifiers: MedGen C1843896, MONDO:0011831, OMIM 607450.

Submission:

Labcorp Genetics (formerly Invitae), Labcorp
Classification: Uncertain significance for Arrhythmogenic cardiomyopathy with wooly hair and keratoderma; Arrhythmogenic right ventricular dysplasia 8. Last evaluated: 2023-07-07. Review status: criteria provided, single submitter. Criteria: Invitae Variant Classification Sherloc (09022015). Collection method: clinical testing. Allele origin: germline.
Comment: This sequence change replaces tyrosine, which is neutral and polar, with cysteine, which is neutral and slightly polar, at codon 2720 of the DSP protein (p.Tyr2720Cys). This variant is not present in population databases (gnomAD no frequency). This variant has not been reported in the literature in individuals affected with DSP-related conditions. ClinVar contains an entry for this variant (Variation ID: 1464046). An algorithm developed to predict the effect of missense changes on protein structure and function (PolyPhen-2) suggests that this variant is likely to be disruptive. In summary, the available evidence is currently insufficient to determine the role of this variant in disease. Therefore, it has been classified as a Variant of Uncertain Significance.